The following is an entry in ClinVar:

NM_000187.4(HGD):c.1102A>G (p.Met368Val)

Gene: HGD (homogentisate 1,2-dioxygenase; minus strand). Cytogenetic location: 3q13.33.
Variant type: single nucleotide variant.
Coding change: c.1102A>G on transcript NM_000187.4 (MANE Select); coding-DNA position 1102, A replaced by G.
Protein change: p.Met368Val; replaces methionine 368 with valine.
Molecular consequence: missense variant.
Genome position (GRCh38, 1-based): chr3:120,633,233, T>C on the plus strand (A>G on the coding strand, the complement: HGD is on the minus strand). VCF-style: chr3-120633233-T-C. GRCh37 (hg19) VCF-style: chr3-120352080-T-C.
Other names: short protein forms M368V.
Identifiers: ClinVar variation 3173 (VCV000003173.27), dbSNP rs120074173, ClinGen allele CA340048.
Genomic context (GRCh38, chr3:120,633,233, plus strand): 5'-GTGCCAGCTTGACCTTGCTGGCCTTCTCAAAGCAGTCAGCATCAGGTCCATGGGGGGTCA[T>C]TGTGCTGTGTAGACTCCCTCCCCCTGGCAGGAACCCACCTTGCTTTGCCTCATAGTGACC-3'
Protein context (NP_000178.2, residues 358-378): LPGGGSLHST[Met368Val]TPHGPDADCF

ClinVar aggregate classification (germline): Pathogenic. Review status: criteria provided, multiple submitters, no conflicts (2 of 4 stars). 14 submissions from 14 submitters: Pathogenic (10). 4 of the submissions do not count toward it. Last evaluated 2025-12-24.

Conditions:
HGD-related disorders.
Alkaptonuria (AKU). Also called: Alkaptonuric ochronosis; HOMOGENTISIC ACID OXIDASE DEFICIENCY; Alcaptonuria; Homogentisic acidura. Identifiers: Orphanet 56, MedGen C0002066, MONDO:0008753, OMIM 203500.

Allele frequency attached by ClinVar (database versions not stated): ExAC 0.00013; 1000 Genomes Project 30x 0.00047; TOPMed 0.00025; gnomAD 0.00031 and 0.00034; 1000 Genomes Project 0.00060; gnomAD exomes 0.00017 and 0.00019.
gnomAD v4.1: 338 of 1,614,126 alleles (0.021%); highest among the groups gnomAD compares: Non-Finnish European, 0.026%; no homozygotes.

Submissions (14):

Labcorp Genetics (formerly Invitae), Labcorp
Classification: Pathogenic for Alkaptonuria. Last evaluated: 2025-12-24. Review status: criteria provided, single submitter. Criteria: Invitae Variant Classification Sherloc (09022015). Collection method: clinical testing. Allele origin: germline.
Comment: This sequence change replaces methionine, which is neutral and non-polar, with valine, which is neutral and non-polar, at codon 368 of the HGD protein (p.Met368Val). This variant is present in population databases (rs120074173, gnomAD 0.04%). This missense change has been observed in individuals with alkaptonuria (PMID: 10340975, 19096913, 19862842). It has also been observed to segregate with disease in related individuals. ClinVar contains an entry for this variant (Variation ID: 3173). Invitae Evidence Modeling of protein sequence and biophysical properties (such as structural, functional, and spatial information, amino acid conservation, physicochemical variation, residue mobility, and thermodynamic stability) indicates that this missense variant is expected to disrupt HGD protein function with a positive predictive value of 95%. Experimental studies have shown that this missense change affects HGD function (PMID: 10482952). For these reasons, this variant has been classified as Pathogenic.

Center for Genomic Medicine, Rigshospitalet, Copenhagen University Hospital
Classification: Pathogenic. Last evaluated: 2025-03-04. Review status: criteria provided, single submitter. Criteria: ACMG Guidelines, 2015. Collection method: clinical testing. Allele origin: germline.

Blueprint Genetics
Classification: Pathogenic for HGD-related disorders. Last evaluated: 2024-08-20. Review status: criteria provided, single submitter. Criteria: ACMG Guidelines, 2015. Collection method: clinical testing. Allele origin: germline. Affected: yes. Observed: 5 variant alleles.

Genomic Medicine Center of Excellence, King Faisal Specialist Hospital and Research Centre
Classification: Pathogenic for Alkaptonuria. Last evaluated: 2024-03-26. Review status: criteria provided, single submitter. Criteria: ACMG Guidelines, 2015. Collection method: clinical testing. Allele origin: germline.

GeneDx
Classification: Pathogenic. Last evaluated: 2022-10-20. Review status: criteria provided, single submitter. Criteria: GeneDx Variant Classification Process June 2021. Collection method: clinical testing. Allele origin: germline. Affected: yes.
Comment: In silico analysis supports that this missense variant has a deleterious effect on protein structure/function; This variant is associated with the following publications: (PMID: 10340975, 19096913, 10465119, 31980526, 31589614, 35110678, 23430897, 25681086, 32158253, 16085442, 33621656, 19862842, 30737480, 33666743, 9529363, 10594001, 10482952, 10205262, 33072517)

Centre of Medical Genetics, University Hospital Muenster
Classification: Pathogenic. Last evaluated: 2022-08-19. Review status: criteria provided, single submitter. Criteria: ACMG Guidelines, 2015. Collection method: clinical testing. Allele origin: unknown. Affected: yes. Observed: 1 variant allele, 1 homozygote.
Comment: ACMG categories: PS1,PS4,PM2,PM3

Fulgent Genetics
Classification: Pathogenic for Alkaptonuria. Last evaluated: 2018-10-31. Review status: criteria provided, single submitter. Criteria: ACMG Guidelines, 2015. Collection method: clinical testing. Allele origin: unknown.

Illumina Laboratory Services, Illumina
Classification: Pathogenic for Alkaptonuria. Last evaluated: 2018-10-23. Review status: criteria provided, single submitter. Criteria: ICSL Variant Classification Criteria 09 May 2019. Collection method: clinical testing. Allele origin: germline.
Comment: Across a selection of the available literature, the HGD c.1102A>G (p.Met368Val) missense variant has been identified in 42 individuals with alkaptonuria, including in a homozygous state in eight individuals, in a compound heterozygous state in 32 individuals, and in a heterozygous state in three individuals (BeltrÃ¡n-Valero de BernabÃ© et al. 1998; BeltrÃ¡n-Valero de BernabÃ© et al. 1999a; BeltrÃ¡n-Valero de BernabÃ© et al. 1999b; Felbor et al. 1999; Vilboux et al. 2009; Zatkova et al. 2012). The p.Met368Val variant was absent from at least 78 controls and is reported at a frequency of 0.00037 in the European (non-Finnish) population of the Genome Aggregation Database. Based on the collective evidence, the p.Met368Val variant is classified as pathogenic for alkaptonuria. This variant was observed by ICSL as part of a predisposition screen in an ostensibly healthy population.

Knight Diagnostic Laboratories, Oregon Health and Sciences University
Classification: Pathogenic for Alkaptonuria. Last evaluated: 2015-08-25. Review status: criteria provided, single submitter. Criteria: ACMG Guidelines, 2015. Collection method: clinical testing. Allele origin: germline. Affected: no. Study: CSER-NextGen.
Comment: The c.1102A>G, p.Met368Val variant was observed to segregate with the disease in multiple affected families [BeltrÃ¡n-Valero de BernabÃ© D et al., (1998); Vilboux T et al., (2009)]. The prevalence of the variant in affected individuals is significantly increased compared with the prevalence in controls [Vilboux T et al., (2009)]. The M368 residue is close to the active site of the enzyme and is located in a domain called the RmlC-like jelly roll fold. Furthermore, in an enzyme kinetics assay, this variant showed decreased activity (37% of the wild-type), reduced catalytic efficiency (14% of wild-type) and disrupted hydrophobic contacts between subunits in the trimeric assembly [RodrÃ­guez JM et al., (2000)]. Several computational algorithms predicted a damaging effect of this variant on the protein. The frequency of this variant is below the disease-allele frequency in the population databases [1000Genome, Exome Sequencing Project and ExAC]. In summary, the evidence meets our criteria for a Pathogenic classification. We have confirmed this finding in our laboratory using Sanger sequencing.

Laboratoire de Génétique Moléculaire, CHU Bordeaux
Classification: Pathogenic. Review status: criteria provided, single submitter. Criteria: ACMG Guidelines, 2015. Collection method: clinical testing. Allele origin: germline. Affected: yes.

Counsyl
Classification: Pathogenic for Alkaptonuria. Last evaluated: 2015-12-18. Review status: no assertion criteria provided. Collection method: clinical testing. Allele origin: unknown. Not counted in ClinVar's aggregate classification.

OMIM
Classification: Pathogenic for ALKAPTONURIA. Last evaluated: 1999-12-01. Review status: no assertion criteria provided. Collection method: literature only. Allele origin: germline. Not counted in ClinVar's aggregate classification.

Department Of Human Genetics, Institute Of Clinical And Translational Research, Biomedical Research Center, Slovak Academy Of Sciences
Classification: Pathogenic for Alkaptonuria. Review status: no assertion criteria provided. Collection method: research. Allele origin: germline. Inheritance: Autosomal recessive inheritance. Affected: yes. Observed: 95 variant alleles. Not counted in ClinVar's aggregate classification.
Comment: The variant was originally described in AKU patient in PMID:9529363. It has been submitted to the HGD gene mutation database (DB-ID: AKU_00097).

GeneReviews
No classification provided. Condition: Alkaptonuria. Review status: no classification provided. Collection method: literature only. Allele origin: germline. Not counted in ClinVar's aggregate classification.
Comment: Most prevalent pathogenic variant in Europe (excluding the Slovak population)

Literature cited by the submitters: PubMed 10340975 (cited by Labcorp Genetics (formerly Invitae), Labcorp and Illumina Laboratory Services, Illumina); PubMed 19096913 (cited by Labcorp Genetics (formerly Invitae), Labcorp); PubMed 19862842 (cited by Labcorp Genetics (formerly Invitae), Labcorp and Illumina Laboratory Services, Illumina); PubMed 10482952 (cited by Labcorp Genetics (formerly Invitae), Labcorp and Center for Genomic Medicine, Rigshospitalet, Copenhagen University Hospital); PubMed 20301627 (cited by Center for Genomic Medicine, Rigshospitalet, Copenhagen University Hospital and GeneReviews); PubMed 9529363 (cited by 5 submitters); PubMed 10205262 (cited by Illumina Laboratory Services, Illumina); PubMed 10594001 (cited by Illumina Laboratory Services, Illumina and OMIM); PubMed 23430897 (cited by Illumina Laboratory Services, Illumina).